The following is an entry in ClinVar:

ClinVar aggregate classification (germline): Pathogenic (1 of 4 stars; one submission).

Conditions:
Cohen syndrome (COH1). Also called: Cutis verticis gyrata, retinitis pigmentosa, and sensorineural deafness; PEPPER SYNDROME. Identifiers: Orphanet 193, MedGen C0265223, MONDO:0008999, OMIM 216550.

Submission:

Labcorp Genetics (formerly Invitae), Labcorp
Classification: Pathogenic for Cohen syndrome. Last evaluated: 2023-08-03. Review status: criteria provided, single submitter. Criteria: Invitae Variant Classification Sherloc (09022015). Collection method: clinical testing. Allele origin: germline.
Comment: This sequence change creates a premature translational stop signal (p.Lys1336Ilefs*21) in the VPS13B gene. It is expected to result in an absent or disrupted protein product. Loss-of-function variants in VPS13B are known to be pathogenic (PMID: 15141358, 16648375, 20461111). This variant is not present in population databases (gnomAD no frequency). This variant has not been reported in the literature in individuals affected with VPS13B-related conditions. Algorithms developed to predict the effect of sequence changes on RNA splicing suggest that this variant may create or strengthen a splice site. For these reasons, this variant has been classified as Pathogenic.

Literature cited by the submitters: PubMed 15141358; PubMed 16648375; PubMed 20461111.

NM_152564.5(VPS13B):c.4006_4007insTT (p.Lys1336fs)

Gene: VPS13B (vacuolar protein sorting 13 homolog B; plus strand). Cytogenetic location: 8q22.2.
Variant type: Insertion.
Coding change: c.4006_4007insTT on transcript NM_152564.5 (MANE Select); coding-DNA positions 4006 to 4007, TT inserted.
Protein change: p.Lys1336fs; shifts the reading frame from lysine 1336.
Molecular consequence: frameshift variant.
Genome position: GRCh38 VCF-style: chr8-99501822-A-ATT. GRCh37 (hg19) VCF-style: chr8-100514050-A-ATT.
Other names: c.4006_4007insTT, p.Lys1336fs (NM_017890.5); short protein forms K1336fs.
Identifiers: ClinVar variation 2749643 (VCV002749643.3), dbSNP rs2490448759, ClinGen allele CA2697550028.
Genomic context (GRCh38, chr8:99,501,822, plus strand): 5'-GGAGGAACCAGTGGACGTGTTAGTTTATGGATGCAGTGGGTGCTTCCCAAAATTACTATA[A>ATT]AGCTCTTTGCTCCAGATCCTGAAAATAAAGGCACAGGTACAGGATTCCTTTTCTTTCTTC-3'